The following is an entry in ClinVar:

NM_181882.3(PRX):c.165_177dup (p.Gln60fs)

Gene: PRX (periaxin; minus strand). Cytogenetic location: 19q13.2.
Variant type: Duplication.
Coding change: c.165_177dup on transcript NM_181882.3 (MANE Select); coding-DNA positions 165 to 177, 13 bases duplicated (GAGCCTCAGCCTG).
Protein change: p.Gln60fs; shifts the reading frame from glutamine 60.
Molecular consequence: frameshift variant.
Genome position (GRCh38, 1-based): chr19:40,403,713-40,403,725, CAGGCTGAGGCTC duplicated on the plus strand (GAGCCTCAGCCTG on the coding strand, the reverse complement: PRX is on the minus strand); duplicating any 13 consecutive bases within chr19:40,403,713-40,403,726 gives the same sequence; the c. name uses the placement nearest the transcript's 3' end. VCF-style (leftmost placement, unchanged base first): chr19-40403712-G-GCAGGCTGAGGCTC. GRCh37 (hg19) VCF-style: chr19-40909619-G-GCAGGCTGAGGCTC.
Other names: c.165_177dupGAGCCTCAGCCTG (NM_020956.2, NM_181882.2); c.165_177dup, p.Gln60fs (NM_020956.2); short protein forms Q60fs.
Identifiers: ClinVar variation 649369 (VCV000649369.9), dbSNP rs1599662669, ClinGen allele CA915953027.
Genomic context (GRCh38, chr19:40,403,712, plus strand): 5'-TTCCTAACCCCGCCCCCGCAGTTCGACCCCGCCCCACACCCCGGGCCCGCCCACCTTCCT[G>GCAGGCTGAGGCTC]CAGGCTGAGGCTCCTGGCGGCGGGTGAGTCCTCGCGCAGCTCCCGAACGAAGATTCCCTC-3'

ClinVar aggregate classification (germline): Pathogenic/Likely pathogenic. Review status: criteria provided, multiple submitters, no conflicts (2 of 4 stars). 2 submissions from 2 submitters: Pathogenic (1); Likely pathogenic (1). Last evaluated 2023-07-28.

Conditions:
Charcot-Marie-Tooth disease. Also called: Charcot-Marie-Tooth Hereditary Neuropathy; Charcot-Marie-Tooth Neuropathy. Identifiers: Orphanet 166, MedGen C0007959, MONDO:0015626.
Charcot-Marie-Tooth disease type 4. Also called: Charcot-Marie-Tooth disease, type IV; Charcot-Marie-Tooth, Type 4. Identifiers: Orphanet 64749, MedGen C4082197, MONDO:0018995.

Submissions (2):

Labcorp Genetics (formerly Invitae), Labcorp
Classification: Pathogenic for Charcot-Marie-Tooth disease type 4. Last evaluated: 2023-07-28. Review status: criteria provided, single submitter. Criteria: Invitae Variant Classification Sherloc (09022015). Collection method: clinical testing. Allele origin: germline.
Comment: This variant has not been reported in the literature in individuals affected with PRX-related conditions. This sequence change creates a premature translational stop signal (p.Gln60Glufs*95) in the PRX gene. While this is not anticipated to result in nonsense mediated decay, it is expected to disrupt the last 1402 amino acid(s) of the PRX protein. This variant is not present in population databases (gnomAD no frequency). ClinVar contains an entry for this variant (Variation ID: 649369). This variant disrupts a region of the PRX protein in which other variant(s) (p.Arg1070*) have been determined to be pathogenic (PMID: 15197604, 16770524, 22847150). This suggests that this is a clinically significant region of the protein, and that variants that disrupt it are likely to be disease-causing. For these reasons, this variant has been classified as Pathogenic.

Molecular Genetics Laboratory, London Health Sciences Centre
Classification: Likely pathogenic for Charcot-Marie-Tooth disease. Review status: criteria provided, single submitter. Criteria: ACMG Guidelines, 2015. Collection method: clinical testing. Allele origin: germline. Affected: yes.

Literature cited by the submitters: PubMed 15197604 (cited by Labcorp Genetics (formerly Invitae), Labcorp); PubMed 16770524 (cited by Labcorp Genetics (formerly Invitae), Labcorp); PubMed 22847150 (cited by Labcorp Genetics (formerly Invitae), Labcorp).